The following is an entry in ClinVar:

ClinVar aggregate classification (germline): Uncertain significance. Review status: criteria provided, multiple submitters, no conflicts (2 of 4 stars). 3 submissions from 3 submitters: Uncertain significance (3). Last evaluated 2026-09-01.

Conditions:
TSPEAR-related disorder. Also called: TSPEAR-related condition.
Inborn genetic diseases. Identifiers: MedGen C0950123, MeSH D030342.

gnomAD v4.1: 86 of 1,604,982 alleles (0.0054%); highest among the groups gnomAD compares: Non-Finnish European, 0.0069%; no homozygotes.

Submissions (3):

PreventionGenetics, part of Exact Sciences
Classification: Uncertain significance for TSPEAR-related condition. Last evaluated: 2026-09-01. Review status: criteria provided, single submitter. Criteria: ACMG Guidelines, 2015. Collection method: clinical testing. Allele origin: germline.
Comment: The TSPEAR c.74C>A variant is predicted to result in the amino acid substitution p.Pro25His. To our knowledge, this variant has not been reported in the literature. This variant is reported in 0.0025% of alleles in individuals of European (Non-Finnish) descent in gnomAD. At this time, the clinical significance of this variant is uncertain due to the absence of conclusive functional and genetic evidence.

Women's Health and Genetics/Laboratory Corporation of America, LabCorp
Classification: Uncertain significance. Last evaluated: 2025-05-12. Review status: criteria provided, single submitter. Criteria: LabCorp Variant Classification Summary - May 2015. Collection method: clinical testing. Allele origin: germline.
Comment: Variant summary: TSPEAR c.74C>A (p.Pro25His) results in a non-conservative amino acid change in the encoded protein sequence. Algorithms developed to predict the effect of missense changes on protein structure and function are either unavailable or do not agree on the potential impact of this missense change. The variant allele was found at a frequency of 4.3e-06 in 232788 control chromosomes. The available data on variant occurrences in the general population are insufficient to allow any conclusion about variant significance. To our knowledge, no occurrence of c.74C>A in individuals affected with Autosomal Recessive Nonsyndromic Hearing Loss 98 and no experimental evidence demonstrating its impact on protein function have been reported. ClinVar contains an entry for this variant (Variation ID: 3462971). Based on the evidence outlined above, the variant was classified as uncertain significance.

Ambry Genetics
Classification: Uncertain significance for Inborn genetic diseases. Last evaluated: 2024-11-28. Review status: criteria provided, single submitter. Criteria: Ambry Variant Classification Scheme 2023. Collection method: clinical testing. Allele origin: germline.

NM_144991.3(TSPEAR):c.74C>A (p.Pro25His)

Gene: TSPEAR (thrombospondin type laminin G domain and EAR repeats; minus strand). Cytogenetic location: 21q22.3.
Variant type: single nucleotide variant.
Coding change: c.74C>A on transcript NM_144991.3 (MANE Select); coding-DNA position 74, C replaced by A.
Protein change: p.Pro25His; replaces proline 25 with histidine.
Molecular consequence: missense variant. On other transcripts: 5 prime UTR variant (1).
Genome position (GRCh38, 1-based): chr21:44,711,441, G>T on the plus strand (C>A on the coding strand, the complement: TSPEAR is on the minus strand). VCF-style: chr21-44711441-G-T. GRCh37 (hg19) VCF-style: chr21-46131356-G-T.
Other names: c.-193C>A (NM_001272037.2); short protein forms P25H.
Identifiers: ClinVar variation 3462971 (VCV003462971.3).